The following is an entry in ClinVar:

NM_004006.3(DMD):c.10797+13A>G

Gene: DMD (dystrophin; minus strand). Cytogenetic location: Xp21.2.
Variant type: single nucleotide variant.
Coding change: c.10797+13A>G on transcript NM_004006.3 (MANE Select); 13 bases into the intron after coding-DNA position 10797, A replaced by G.
Molecular consequence: intron variant.
Genome position (GRCh38, 1-based): chrX:31,147,262, T>C on the plus strand (A>G on the coding strand, the complement: DMD is on the minus strand). VCF-style: chrX-31147262-T-C. GRCh37 (hg19) VCF-style: chrX-31165379-T-C.
Other names: c.10773+13A>G (NM_000109.4); c.6774+13A>G (NM_004011.4); c.6765+13A>G (NM_004012.4); c.3087+13A>G (NM_004023.3, NM_004020.4); c.3378+13A>G (NM_004022.3); c.3417+13A>G (NM_004021.3, NM_004013.3); c.2610+13A>G (NM_004014.3); c.1554+13A>G (NM_004018.3, NM_004017.3); and 3 more.
Identifiers: ClinVar variation 3618682 (VCV003618682.2).
Genomic context (GRCh38, chrX:31,147,262, plus strand): 5'-AGTGCTCTCTGAGGTTTAGTTTTGTTTAAGAGGGAAAAATGAATGTTTGTAAAAATCCCA[T>C]CTCTCTCCTCACTTGCTCCAGCAGCTGCCTTAGCCTGTGTAACTGTGACTCCAGCTGTTT-3'

ClinVar aggregate classification (germline): Uncertain significance (1 of 4 stars; one submission).

Conditions:
Duchenne muscular dystrophy (DMD). Also called: MUSCULAR DYSTROPHY, PSEUDOHYPERTROPHIC PROGRESSIVE, DUCHENNE TYPE; Duchenne Muscular Dystrophy (DMD). Identifiers: Orphanet 98896, MedGen C0013264, MONDO:0010679, OMIM 310200.

gnomAD v4.1: 7 of 1,208,913 alleles (0.00058%); highest among the groups gnomAD compares: Non-Finnish European, 0.00078%; no homozygotes.

Submission:

Labcorp Genetics (formerly Invitae), Labcorp
Classification: Uncertain significance for Duchenne muscular dystrophy. Last evaluated: 2024-10-02. Review status: criteria provided, single submitter. Criteria: Invitae Variant Classification Sherloc (09022015). Collection method: clinical testing. Allele origin: germline.
Comment: This sequence change falls in intron 75 of the DMD gene. It does not directly change the encoded amino acid sequence of the DMD protein. This variant is not present in population databases (gnomAD no frequency). This variant has not been reported in the literature in individuals affected with DMD-related conditions. Algorithms developed to predict the effect of sequence changes on RNA splicing suggest that this variant may disrupt the consensus splice site. In summary, the available evidence is currently insufficient to determine the role of this variant in disease. Therefore, it has been classified as a Variant of Uncertain Significance.